The following is an entry in ClinVar:

NM_001122955.4(BSCL2):c.1234+6G>A

Genes: BSCL2 (BSCL2 lipid droplet biogenesis associated, seipin; minus strand), HNRNPUL2-BSCL2 (HNRNPUL2-BSCL2 readthrough (NMD candidate); minus strand). Cytogenetic location: 11q12.3.
Variant type: single nucleotide variant.
Coding change: c.1234+6G>A on transcript NM_001122955.4 (MANE Select); 6 bases into the intron after coding-DNA position 1234, G replaced by A.
Molecular consequence: intron variant.
Genome position (GRCh38, 1-based): chr11:62,690,606, C>T on the plus strand (G>A on the coding strand, the complement: BSCL2 is on the minus strand). VCF-style: chr11-62690606-C-T. GRCh37 (hg19) VCF-style: chr11-62458078-C-T.
Other names: c.*36+6G>A (NM_001130702.2); c.1042+6G>A (NM_032667.6); c.1234+6G>A (NM_001386028.1); c.1240+6G>A (NM_001386027.1).
Identifiers: ClinVar variation 663994 (VCV000663994.9), dbSNP rs762726296, ClinGen allele CA6053287.

ClinVar aggregate classification (germline): Uncertain significance. Review status: criteria provided, multiple submitters, no conflicts (2 of 4 stars). 2 submissions from 2 submitters: Uncertain significance (2). Last evaluated 2024-05-14.

Conditions:
Charcot-Marie-Tooth disease type 2. Also called: Charcot-Marie-Tooth type 2. Identifiers: Orphanet 64746, MedGen C0270914, MONDO:0018993.
Congenital generalized lipodystrophy type 2 (CGL2). Also called: SEIP SYNDROME; BERARDINELLI SYNDROME; BRUNZELL SYNDROME, BSCL2-RELATED; Berardinelli-Seip Congenital Lipodystrophy Type 2. Identifiers: Orphanet 528, Orphanet 696289, MedGen C1720863, MONDO:0010020, OMIM 269700.
Severe neurodegenerative syndrome with lipodystrophy. Also called: ENCEPHALOPATHY, PROGRESSIVE, WITH LIPODYSTROPHY; Encephalopathy, progressive, with or without lipodystrophy. Identifiers: Orphanet 363400, MedGen C4014700, MONDO:0014402, OMIM 615924.
Hereditary spastic paraplegia 17. Also called: Silver spastic paraplegia syndrome; SPASTIC PARAPLEGIA WITH AMYOTROPHY OF HANDS AND FEET; Spastic Paraplegia 17; Autosomal dominant spastic paraplegia type 17; Silver Syndrome. Identifiers: Orphanet 100998, MedGen C2931276, MONDO:0010043, OMIM 270685.
Neuronopathy, distal hereditary motor, type 5C. Also called: NEURONOPATHY, DISTAL HEREDITARY MOTOR, AUTOSOMAL DOMINANT 13; DHMN VC; NEURONOPATHY, DISTAL HEREDITARY MOTOR, HARDING TYPE VC; NEUROPATHY, DISTAL HEREDITARY MOTOR, HARDING TYPE VC; SPINAL MUSCULAR ATROPHY, DISTAL, HARDING TYPE VC. Identifiers: MedGen C5436838, MONDO:0030860, OMIM 619112.

Allele frequency attached by ClinVar (database versions not stated): gnomAD 0.00001; TOPMed 0.00001; gnomAD exomes 0.00001; ExAC 0.00001.
gnomAD v4.1: 16 of 1,613,880 alleles (0.00099%); highest among the groups gnomAD compares: Non-Finnish European, 0.0011%; no homozygotes.

Submissions (2):

Fulgent Genetics
Classification: Uncertain significance for Congenital generalized lipodystrophy type 2; Hereditary spastic paraplegia 17; Severe neurodegenerative syndrome with lipodystrophy; Neuronopathy, distal hereditary motor, type 5C. Last evaluated: 2024-05-14. Review status: criteria provided, single submitter. Criteria: ACMG Guidelines, 2015. Collection method: clinical testing. Allele origin: germline.

Labcorp Genetics (formerly Invitae), Labcorp
Classification: Uncertain significance for Charcot-Marie-Tooth disease type 2. Last evaluated: 2018-09-20. Review status: criteria provided, single submitter. Criteria: Invitae Variant Classification Sherloc (09022015). Collection method: clinical testing. Allele origin: germline.
Comment: This sequence change falls in intron 10 of the BSCL2 gene. It does not directly change the encoded amino acid sequence of the BSCL2 protein, but it affects a nucleotide within the consensus splice site of the intron. This variant is present in population databases (rs762726296, ExAC 0.006%). This variant has not been reported in the literature in individuals with BSCL2-related disease. Nucleotide substitutions within the consensus splice site are a relatively common cause of aberrant splicing (PMID: 17576681, 9536098). Algorithms developed to predict the effect of sequence changes on RNA splicing suggest that this variant is not likely to affect RNA splicing, but this prediction has not been confirmed by published transcriptional studies. In summary, the available evidence is currently insufficient to determine the role of this variant in disease. Therefore, it has been classified as a Variant of Uncertain Significance.

Literature cited by the submitters: PubMed 17576681 (cited by Labcorp Genetics (formerly Invitae), Labcorp); PubMed 9536098 (cited by Labcorp Genetics (formerly Invitae), Labcorp).